The following is an entry in ClinVar:

ClinVar aggregate classification (germline): Uncertain significance. Review status: criteria provided, multiple submitters, no conflicts (2 of 4 stars). 3 submissions from 3 submitters: Uncertain significance (3). Last evaluated 2026-06-29.

Conditions:
Inborn genetic diseases. Identifiers: MedGen C0950123, MeSH D030342.
NEFH-related disorder. Also called: NEFH-related condition.

Submissions (3):

PreventionGenetics, part of Exact Sciences
Classification: Uncertain significance for NEFH-related condition. Last evaluated: 2026-06-29. Review status: criteria provided, single submitter. Criteria: ACMG Guidelines, 2015. Collection method: clinical testing. Allele origin: germline.
Comment: The NEFH c.2219_2242del24 variant is predicted to result in an in-frame deletion (p.Val740_Pro747del). To our knowledge, this variant has not been reported in the literature. This variant is reported in 0.0054% of alleles in individuals of East Asian descent in gnomAD. At this time, the clinical significance of this variant is uncertain due to the absence of conclusive functional and genetic evidence.

Labcorp Genetics (formerly Invitae), Labcorp
Classification: Uncertain significance. Last evaluated: 2023-10-05. Review status: criteria provided, single submitter. Criteria: Invitae Variant Classification Sherloc (09022015). Collection method: clinical testing. Allele origin: germline.
Comment: This variant, c.2219_2242del, results in the deletion of 8 amino acid(s) of the NEFH protein (p.Val740_Pro747del), but otherwise preserves the integrity of the reading frame. This variant is present in population databases (rs778386609, gnomAD 0.006%). This variant has not been reported in the literature in individuals affected with NEFH-related conditions. ClinVar contains an entry for this variant (Variation ID: 1787873). Experimental studies and prediction algorithms are not available or were not evaluated, and the functional significance of this variant is currently unknown. In summary, the available evidence is currently insufficient to determine the role of this variant in disease. Therefore, it has been classified as a Variant of Uncertain Significance.

Ambry Genetics
Classification: Uncertain significance for Inborn genetic diseases. Last evaluated: 2019-10-23. Review status: criteria provided, single submitter. Criteria: Ambry Variant Classification Scheme 2023. Collection method: clinical testing. Allele origin: germline.
Comment: The c.2219_2242del24 variant (also known as p.V740_P747del) is located in coding exon 4 of the NEFH gene. This variant results from an in-frame deletion of 24 nucleotides at positions 2219 to 2242. This results in the deletion of eight amino acids between codons 740 and 747. Since supporting evidence is limited at this time, the clinical significance of this alteration remains unclear.

NM_021076.4(NEFH):c.2219_2242del (p.Val740_Pro747del)

Gene: NEFH (neurofilament heavy chain; plus strand). Cytogenetic location: 22q12.2.
Variant type: Deletion.
Coding change: c.2219_2242del on transcript NM_021076.4 (MANE Select); coding-DNA positions 2219 to 2242, 24 bases deleted (TGAAGGAAGAAGCTAAGTCCCCAG).
Protein change: p.Val740_Pro747del.
Molecular consequence: inframe deletion.
Genome position (GRCh38, 1-based): chr22:29,489,859-29,489,882, TGAAGGAAGAAGCTAAGTCCCCAG deleted; deleting any 24 consecutive bases within chr22:29,489,849-29,489,882 gives the same sequence; the c. name uses the placement nearest the transcript's 3' end. VCF-style (leftmost placement, unchanged base first): chr22-29489848-CAAGTCCCCAGTGAAGGAAGAAGCT-C. GRCh37 (hg19) VCF-style: chr22-29885837-CAAGTCCCCAGTGAAGGAAGAAGCT-C.
Identifiers: ClinVar variation 1787873 (VCV001787873.10), dbSNP rs778386609, ClinGen allele CA10174375.
Genomic context (GRCh38, chr22:29,489,848, plus strand): 5'-AAAGTCCCCTGAGAAGGCCAAGTCCCCAGTGAAGGAAGAAGCAAAGACCCCCGAGAAGGC[CAAGTCCCCAGTGAAGGAAGAAGCT>C]AAGTCCCCAGAGAAGGCCAAGTCCCCAGAGAAGGCCAAGACTCTTGATGTGAAGTCTCCA-3'